The following is an entry in ClinVar:

NM_003742.4(ABCB11):c.3634G>T (p.Val1212Phe)

Gene: ABCB11 (ATP binding cassette subfamily B member 11; minus strand). Cytogenetic location: 2q31.1.
Variant type: single nucleotide variant.
Coding change: c.3634G>T on transcript NM_003742.4 (MANE Select); coding-DNA position 3634, G replaced by T.
Protein change: p.Val1212Phe; replaces valine 1212 with phenylalanine.
Molecular consequence: missense variant.
Genome position (GRCh38, 1-based): chr2:168,924,788, C>A on the plus strand (G>T on the coding strand, the complement: ABCB11 is on the minus strand). VCF-style: chr2-168924788-C-A. GRCh37 (hg19) VCF-style: chr2-169781298-C-A.
Other names: short protein forms V1212F.
Identifiers: ClinVar variation 2734322 (VCV002734322.6), dbSNP rs546906441, ClinGen allele CA349118389.

ClinVar aggregate classification (germline): Conflicting classifications of pathogenicity. Review status: criteria provided, conflicting classifications (1 of 4 stars). 4 submissions from 4 submitters: Likely pathogenic (1); Uncertain significance (3). Last evaluated 2026-04-14.

Conditions:
Familial intrahepatic cholestasis. Identifiers: Orphanet 284385, MedGen CN296401, MONDO:0017290.
Progressive familial intrahepatic cholestasis type 2. Identifiers: Orphanet 79304, MedGen C3489789, MONDO:0011156, OMIM 601847.

gnomAD v4.1: 9 of 1,609,458 alleles (0.00056%); highest among the groups gnomAD compares: Non-Finnish European, 0.00076%; no homozygotes.

Submissions (4):

Genomenon, Inc
Classification: Uncertain significance for Familial intrahepatic cholestasis. Last evaluated: 2026-04-14. Review status: criteria provided, single submitter. Criteria: Genomenon Sequence Variant Interpretation Standards - Updated. Collection method: curation. Allele origin: germline. Affected: yes.
Comment: ABCB11 p.Val1212Phe (c.3634G>T) is a missense variant that changes the amino acid at residue 1212 from Valine to Phenylalanine. This variant has been observed in at least one proband with an ABCB11-related disorder (PMID:32087350;21490445). It is absent or not present at a significant frequency in gnomAD. In silico models predict that this variant is possibly or probably damaging. In conclusion, we classify ABCB11 p.Val1212Phe (c.3634G>T) as a variant of uncertain significance.

Broad Center for Mendelian Genomics, Broad Institute of MIT and Harvard
Classification: Uncertain significance for Progressive familial intrahepatic cholestasis type 2. Last evaluated: 2025-01-23. Review status: criteria provided, single submitter. Criteria: ACMG Guidelines, 2015. Collection method: curation. Allele origin: germline. Inheritance: Autosomal recessive inheritance.
Comment: The p.Val1212Phe variant in ABCB11 has been reported in 2 individuals with BSEP deficiency (PMID: 21490445, 2020_doi.org_10.33612_diss.13343025), and has been identified in 0.0008% (9/1177996) of European (non-Finnish) chromosomes by the Genome Aggregation Database (gnomAD; dbSNP rs546906441). Although this variant has been seen in the general population in a heterozygous state, its frequency is low enough to be consistent with a recessive carrier frequency. Of the 2 affected individuals, 1 was a compound heterozygote that carried a reported pathogenic/likely pathogenic variant in trans, which increases the likelihood that the p.Val1212Phe variant is pathogenic (Variation ID: 288100, PMID: 21490445). Computational prediction tools and conservation analyses suggest that this variant may impact the protein, though this information is not predictive enough to determine pathogenicity. In summary, while there is some suspicion for a pathogenic role, the clinical significance of this variant is uncertain. ACMG/AMP Criteria applied: PM3, PP3_moderate, PM2_supporting (Richards 2015).

Neuberg Centre For Genomic Medicine, NCGM
Classification: Uncertain significance for Progressive familial intrahepatic cholestasis type 2. Last evaluated: 2023-07-22. Review status: criteria provided, single submitter. Criteria: ACMG Guidelines, 2015. Collection method: clinical testing. Allele origin: germline. Inheritance: Autosomal recessive inheritance. Affected: yes.
Comment: The observed missense c.3634G>Tp.Val1212Phe variant in ABCB11 gene has been reported previously in homozygous or compound heterozygous state in individuals affected with Progressive familial intrahepatic cholestasis, type 2 Evason et al., 2011. This variant is reported with the allele frequency of 0% in the gnomAD Exomes. The amino acid Val at position 1212 is changed to a Phe changing protein sequence and it might alter its composition and physico-chemical properties. The amino acid change p.Val1212Phe in ABCB11 is predicted as conserved by GERP++ and PhyloP across 100 vertebrates. Multiple lines of computational evidence Polyphen - Damaging, SIFT - Damaging, and MutationTaster - Disease causing predict a damaging effect on protein structure and function for this variant. For these reasons, this variant has been classified as Uncertain Significance.

Labcorp Genetics (formerly Invitae), Labcorp
Classification: Likely pathogenic. Last evaluated: 2023-02-17. Review status: criteria provided, single submitter. Criteria: Invitae Variant Classification Sherloc (09022015). Collection method: clinical testing. Allele origin: germline.
Comment: In summary, the currently available evidence indicates that the variant is pathogenic, but additional data are needed to prove that conclusively. Therefore, this variant has been classified as Likely Pathogenic. Advanced modeling of protein sequence and biophysical properties (such as structural, functional, and spatial information, amino acid conservation, physicochemical variation, residue mobility, and thermodynamic stability) performed at Invitae indicates that this missense variant is expected to disrupt ABCB11 protein function. This missense change has been observed in individual(s) with progressive familial intrahepatic cholestasis type 2 (PMID: 21490445). In at least one individual the data is consistent with being in trans (on the opposite chromosome) from a pathogenic variant. This variant is not present in population databases (gnomAD no frequency). This sequence change replaces valine, which is neutral and non-polar, with phenylalanine, which is neutral and non-polar, at codon 1212 of the ABCB11 protein (p.Val1212Phe).

Literature cited by the submitters: PubMed 32087350 (cited by Genomenon, Inc); PubMed 21490445 (cited by Genomenon, Inc and Labcorp Genetics (formerly Invitae), Labcorp).